The following is an entry in ClinVar:

NM_024334.3(TMEM43):c.772G>A (p.Ala258Thr)

Gene: TMEM43 (transmembrane protein 43; plus strand). Cytogenetic location: 3p25.1.
Variant type: single nucleotide variant.
Coding change: c.772G>A on transcript NM_024334.3 (MANE Select); coding-DNA position 772, G replaced by A.
Protein change: p.Ala258Thr; replaces alanine 258 with threonine.
Molecular consequence: missense variant. On other transcripts: intron variant (1).
Genome position (GRCh38, 1-based): chr3:14,135,224, G>A. VCF-style: chr3-14135224-G-A. GRCh37 (hg19) VCF-style: chr3-14176724-G-A.
Other names: c.705+333G>A (NM_001407279.1); c.775G>A, p.Ala259Thr (NM_001407274.1); c.772G>A, p.Ala258Thr (NM_001407275.1, NM_001407276.1, NM_001407277.1); c.757G>A, p.Ala253Thr (NM_001407278.1); c.622G>A, p.Ala208Thr (NM_001407280.1); short protein forms A208T, A253T, A258T, A259T.
Identifiers: ClinVar variation 3658638 (VCV003658638.2).
Genomic context (GRCh38, chr3:14,135,224, plus strand): 5'-GACTTGCGTGTCTCCTTTTCCTATGCTGGACTGAGCGGCGATGACCCTGACCTGGGCCCA[G>A]CTCACGTGGTAACCTGGCTTCCCAGGGGCAGACACTAAGTCAGAGCCTCACGACTTTCCT-3'
Protein context (NP_077310.1, residues 248-268): LSGDDPDLGP[Ala258Thr]HVVTVIARQR

ClinVar aggregate classification (germline): Uncertain significance (1 of 4 stars; one submission).

Conditions:
Arrhythmogenic right ventricular dysplasia 5. Also called: Arrhythmogenic Right Ventricular Dysplasia/Cardiomyopathy 5; ARRHYTHMOGENIC RIGHT VENTRICULAR DYSPLASIA, FAMILIAL, 5. Identifiers: MedGen C1858379, MONDO:0011459, OMIM 604400.

Submission:

Labcorp Genetics (formerly Invitae), Labcorp
Classification: Uncertain significance for Arrhythmogenic right ventricular dysplasia 5. Last evaluated: 2024-07-03. Review status: criteria provided, single submitter. Criteria: Invitae Variant Classification Sherloc (09022015). Collection method: clinical testing. Allele origin: germline.
Comment: This sequence change replaces alanine, which is neutral and non-polar, with threonine, which is neutral and polar, at codon 258 of the TMEM43 protein (p.Ala258Thr). This variant is not present in population databases (gnomAD no frequency). This variant has not been reported in the literature in individuals affected with TMEM43-related conditions. Advanced modeling of protein sequence and biophysical properties (such as structural, functional, and spatial information, amino acid conservation, physicochemical variation, residue mobility, and thermodynamic stability) performed at Invitae indicates that this missense variant is not expected to disrupt TMEM43 protein function with a negative predictive value of 80%. In summary, the available evidence is currently insufficient to determine the role of this variant in disease. Therefore, it has been classified as a Variant of Uncertain Significance.